The following is an entry in ClinVar:

ClinVar aggregate classification (germline): Pathogenic/Likely pathogenic. Review status: criteria provided, multiple submitters, no conflicts (2 of 4 stars). 4 submissions from 4 submitters: Pathogenic (3); Likely pathogenic (1). Last evaluated 2024-09-30.

Conditions:
Hereditary nonpolyposis colorectal neoplasms. Identifiers: MedGen C0009405, MeSH D003123.
Hereditary cancer-predisposing syndrome. Also called: Hereditary Cancer Syndrome; Hereditary neoplastic syndrome; Neoplastic Syndromes, Hereditary; Tumor predisposition. Identifiers: Orphanet 140162, MedGen C0027672, MeSH D009386, MONDO:0015356.
Lynch syndrome 4 (LYNCH4). Also called: Colorectal cancer, hereditary nonpolyposis, type 4; Hereditary non-polyposis colorectal cancer, type 4. Identifiers: Orphanet 144, MedGen C1838333, MONDO:0013699, OMIM 614337. Disease mechanism: loss of function.

Submissions (4):

Quest Diagnostics Nichols Institute San Juan Capistrano
Classification: Likely pathogenic. Last evaluated: 2024-09-30. Review status: criteria provided, single submitter. Criteria: Quest Diagnostics criteria. Collection method: clinical testing. Allele origin: unknown.
Comment: The PMS2 c.960del (p.Phe320Leufs*36) variant alters the translational reading frame of the PMS2 mRNA and is predicted to cause the premature termination of PMS2 protein synthesis. This variant has not been reported in individuals with PMS2-related conditions in the published literature. This variant has not been reported in large, multi-ethnic general populations (Genome Aggregation Database). Based on the available information, this variant is classified as likely pathogenic.

Labcorp Genetics (formerly Invitae), Labcorp
Classification: Pathogenic for Hereditary nonpolyposis colorectal neoplasms. Last evaluated: 2024-05-06. Review status: criteria provided, single submitter. Criteria: Invitae Variant Classification Sherloc (09022015). Collection method: clinical testing. Allele origin: germline.
Comment: This sequence change creates a premature translational stop signal (p.Phe320Leufs*36) in the PMS2 gene. It is expected to result in an absent or disrupted protein product. Loss-of-function variants in PMS2 are known to be pathogenic (PMID: 21376568, 24362816). This variant is not present in population databases (gnomAD no frequency). This variant has not been reported in the literature in individuals affected with PMS2-related conditions. ClinVar contains an entry for this variant (Variation ID: 1767561). For these reasons, this variant has been classified as Pathogenic.

Myriad Genetics, Inc.
Classification: Pathogenic for Lynch syndrome 4. Last evaluated: 2023-09-19. Review status: criteria provided, single submitter. Criteria: Myriad Autosomal Dominant, Autosomal Recessive and X-Linked Classification Criteria (2023). Collection method: clinical testing. Allele origin: unknown.
Comment: This variant is considered pathogenic. This variant creates a frameshift predicted to result in premature protein truncation.

Ambry Genetics
Classification: Pathogenic for Hereditary cancer-predisposing syndrome. Last evaluated: 2017-03-01. Review status: criteria provided, single submitter. Criteria: Ambry Variant Classification Scheme 2023. Collection method: clinical testing. Allele origin: germline.
Comment: The c.960delT pathogenic mutation, located in coding exon 9 of the PMS2 gene, results from a deletion of one nucleotide at nucleotide position 960, causing a translational frameshift with a predicted alternate stop codon (p.F320Lfs*36). This alteration is expected to result in loss of function by premature protein truncation or nonsense-mediated mRNA decay. As such, this alteration is interpreted as a disease-causing mutation.

Literature cited by the submitters: PubMed 21376568 (cited by Labcorp Genetics (formerly Invitae), Labcorp); PubMed 24362816 (cited by Labcorp Genetics (formerly Invitae), Labcorp).

NM_000535.7(PMS2):c.960del (p.Phe320fs)

Gene: PMS2 (PMS1 homolog 2, mismatch repair system component; minus strand). Cytogenetic location: 7p22.1.
Variant type: Deletion.
Coding change: c.960del on transcript NM_000535.7 (MANE Select); coding-DNA position 960, one base deleted (T; older notation c.960delT).
Protein change: p.Phe320fs; shifts the reading frame from phenylalanine 320.
Molecular consequence: frameshift variant. On other transcripts: non-coding transcript variant (1).
Genome position (GRCh38, 1-based): chr7:5,992,001, A deleted on the plus strand (T on the coding strand, the reverse complement: PMS2 is on the minus strand); the first of 3 consecutive A bases (chr7:5,992,001-5,992,003); deleting any one gives the same sequence. VCF-style (leftmost placement, unchanged base first): chr7-5992000-CA-C. GRCh37 (hg19) VCF-style: chr7-6031631-CA-C.
Other names: c.553delT, p.Phe185Leufs (NM_001018040.1, NM_001406887.1, NM_001406888.1 and 15 more transcripts); c.555del, p.Phe185fs (NM_001322003.2, NM_001322004.2, NM_001322005.2 and 2 more transcripts); c.960del, p.Phe320fs (NM_001322006.2, NM_001322014.2); c.642del, p.Phe214fs (NM_001322007.2, NM_001322008.2); c.27del, p.Phe9fs (NM_001322011.2, NM_001322012.2); c.387del, p.Phe129fs (NM_001322013.2); c.651del, p.Phe217fs (NM_001322015.2); c.1144delT, p.Phe382Leufs (NM_001406866.1); and 14 more; short protein forms F214fs, F217fs, F320fs, F9fs, F129fs, F185fs.
Identifiers: ClinVar variation 1767561 (VCV001767561.6), dbSNP rs2536008648, ClinGen allele CA2578823673.